The following is an entry in ClinVar:

ClinVar aggregate classification (germline): Uncertain significance (1 of 4 stars; one submission).

Submission:

Labcorp Genetics (formerly Invitae), Labcorp
Classification: Uncertain significance. Last evaluated: 2024-08-08. Review status: criteria provided, single submitter. Criteria: Invitae Variant Classification Sherloc (09022015). Collection method: clinical testing. Allele origin: germline.
Comment: This sequence change replaces lysine, which is basic and polar, with glutamic acid, which is acidic and polar, at codon 241 of the C3 protein (p.Lys241Glu). This variant is not present in population databases (gnomAD no frequency). This variant has not been reported in the literature in individuals affected with C3-related conditions. Advanced modeling of protein sequence and biophysical properties (such as structural, functional, and spatial information, amino acid conservation, physicochemical variation, residue mobility, and thermodynamic stability) performed at Invitae indicates that this missense variant is expected to disrupt C3 protein function with a positive predictive value of 80%. In summary, the available evidence is currently insufficient to determine the role of this variant in disease. Therefore, it has been classified as a Variant of Uncertain Significance.

NM_000064.4(C3):c.721A>G (p.Lys241Glu)

Gene: C3 (complement C3; minus strand). Cytogenetic location: 19p13.3.
Variant type: single nucleotide variant.
Coding change: c.721A>G on transcript NM_000064.4 (MANE Select); coding-DNA position 721, A replaced by G.
Protein change: p.Lys241Glu; replaces lysine 241 with glutamic acid.
Molecular consequence: missense variant.
Genome position (GRCh38, 1-based): chr19:6,714,044, T>C on the plus strand (A>G on the coding strand, the complement: C3 is on the minus strand). VCF-style: chr19-6714044-T-C. GRCh37 (hg19) VCF-style: chr19-6714055-T-C.
Other names: short protein forms K241E.
Identifiers: ClinVar variation 3671504 (VCV003671504.2).